The following is an entry in ClinVar:

ClinVar aggregate classification (germline): Uncertain significance. Review status: criteria provided, single submitter (1 of 4 stars). 2 submissions from 2 submitters: Uncertain significance (1). 1 of the submissions does not count toward it. Last evaluated 2022-08-16.

Conditions:
Primary ciliary dyskinesia. Also called: Ciliary dyskinesia. Identifiers: Orphanet 244, MedGen C0008780, MONDO:0016575, HP:0012265.

Allele frequency attached by ClinVar (database versions not stated): gnomAD exomes below 0.00001; ExAC 0.00001.
gnomAD v4.1: 6 of 1,614,122 alleles (0.00037%); highest among the groups gnomAD compares: Non-Finnish European, 0.00051%; no homozygotes.

Submissions (2):

Ambry Genetics
Classification: Uncertain significance for Primary ciliary dyskinesia. Last evaluated: 2022-08-16. Review status: criteria provided, single submitter. Criteria: Ambry Variant Classification Scheme 2023. Collection method: clinical testing. Allele origin: germline.
Comment: The p.V4081I variant (also known as c.12241G>A), located in coding exon 71 of the DNAH5 gene, results from a G to A substitution at nucleotide position 12241. The valine at codon 4081 is replaced by isoleucine, an amino acid with highly similar properties. This amino acid position is conserved. In addition, this alteration is predicted to be tolerated by in silico analysis. Since supporting evidence is limited at this time, the clinical significance of this alteration remains unclear.

Natera, Inc.
Classification: Uncertain significance for Primary ciliary dyskinesia. Last evaluated: 2025-01-08. Review status: no assertion criteria provided. Collection method: clinical testing. Allele origin: germline. Not counted in ClinVar's aggregate classification.

NM_001369.3(DNAH5):c.12241G>A (p.Val4081Ile)

Gene: DNAH5 (dynein axonemal heavy chain 5; minus strand). Cytogenetic location: 5p15.2.
Variant type: single nucleotide variant.
Coding change: c.12241G>A on transcript NM_001369.3 (MANE Select); coding-DNA position 12241, G replaced by A.
Protein change: p.Val4081Ile; replaces valine 4081 with isoleucine.
Molecular consequence: missense variant.
Genome position (GRCh38, 1-based): chr5:13,721,038, C>T on the plus strand (G>A on the coding strand, the complement: DNAH5 is on the minus strand). VCF-style: chr5-13721038-C-T. GRCh37 (hg19) VCF-style: chr5-13721147-C-T.
Other names: short protein forms V4081I.
Identifiers: ClinVar variation 1753739 (VCV001753739.3), dbSNP rs756038618, ClinGen allele CA3201704.